The following is an entry in ClinVar:

ClinVar aggregate classification (germline): Likely benign. Review status: criteria provided, multiple submitters, no conflicts (2 of 4 stars). 4 submissions from 4 submitters: Likely benign (3). 1 of the submissions does not count toward it. Last evaluated 2025-11-19.

Conditions:
AFF4-related disorder. Also called: AFF4-related condition.
Cognitive impairment - coarse facies - heart defects - obesity - pulmonary involvement - short stature - skeletal dysplasia syndrome. Also called: COGNITIVE IMPAIRMENT, COARSE FACIES, HEART DEFECTS, OBESITY, PULMONARY INVOLVEMENT, SHORT STATURE, AND SKELETAL DYSPLASIA; AFF4-Related CHOPS Syndrome; Chops syndrome. Identifiers: Orphanet 444077, MedGen C4085597, MONDO:0014609, OMIM 616368.

Allele frequency attached by ClinVar (database versions not stated): ESP Exome Variant Server 0.00008; TOPMed 0.00012.
gnomAD v4.1: 128 of 1,613,954 alleles (0.0079%); highest among the groups gnomAD compares: Middle Eastern, 0.2%; 1 homozygote.

Submissions (4):

Labcorp Genetics (formerly Invitae), Labcorp
Classification: Likely benign for Cognitive impairment - coarse facies - heart defects - obesity - pulmonary involvement - short stature - skeletal dysplasia syndrome. Last evaluated: 2025-11-19. Review status: criteria provided, single submitter. Criteria: Invitae Variant Classification Sherloc (09022015). Collection method: clinical testing. Allele origin: germline.

CeGaT Center for Human Genetics Tuebingen
Classification: Likely benign. Last evaluated: 2024-01-01. Review status: criteria provided, single submitter. Criteria: CeGaT Center For Human Genetics Tuebingen Variant Classification Criteria Version 2. Collection method: clinical testing. Allele origin: germline. Affected: yes. Observed: 2 variant alleles.
Comment: AFF4: BP4, BP7

Breakthrough Genomics
Classification: Likely benign. Review status: criteria provided, single submitter. Criteria: ACMG Guidelines, 2015. Collection method: not provided. Allele origin: germline. Inheritance: Autosomal dominant inheritance. Affected: yes.

PreventionGenetics, part of Exact Sciences
Classification: Likely benign for AFF4-related condition. Last evaluated: 2021-10-06. Review status: no assertion criteria provided. Collection method: clinical testing. Allele origin: germline. Not counted in ClinVar's aggregate classification.
Comment: This variant is classified as likely benign based on ACMG/AMP sequence variant interpretation guidelines (Richards et al. 2015 PMID: 25741868, with internal and published modifications).

NM_014423.4(AFF4):c.3312C>G (p.Leu1104=)

Gene: AFF4 (ALF transcription elongation factor 4; minus strand). Cytogenetic location: 5q31.1.
Variant type: single nucleotide variant.
Coding change: c.3312C>G on transcript NM_014423.4 (MANE Select); coding-DNA position 3312, C replaced by G.
Protein change: p.Leu1104=; no amino-acid change (leucine 1104 retained).
Molecular consequence: synonymous variant.
Genome position (GRCh38, 1-based): chr5:132,883,392, G>C on the plus strand (C>G on the coding strand, the complement: AFF4 is on the minus strand). VCF-style: chr5-132883392-G-C. GRCh37 (hg19) VCF-style: chr5-132219084-G-C.
Identifiers: ClinVar variation 779059 (VCV000779059.44), dbSNP rs375501684, ClinGen allele CA3408700.
Genomic context (GRCh38, chr5:132,883,392, plus strand): 5'-CTACCTACCTTTTTGCTCTTTGGAAAGCTGTTCAGCTTGGTCCCAAATTTCGGTGGCATA[G>C]AGGAAGTTGGATGTGACCTGAACATAGCTGGCTGCCATCTGGTGGATCTTCTGTGGAATG-3'
Protein context (NP_055238.1, residues 1094-1114): ASYVQVTSNF[Leu1104=]YATEIWDQAE